The following is an entry in ClinVar:

NM_002971.6(SATB1):c.1335G>A (p.Gln445=)

Gene: SATB1 (SATB homeobox 1; minus strand). Cytogenetic location: 3p24.3.
Variant type: single nucleotide variant.
Coding change: c.1335G>A on transcript NM_002971.6 (MANE Select); coding-DNA position 1335, G replaced by A.
Protein change: p.Gln445=; no amino-acid change (glutamine 445 retained).
Molecular consequence: synonymous variant.
Genome position (GRCh38, 1-based): chr3:18,386,483, C>T on the plus strand (G>A on the coding strand, the complement: SATB1 is on the minus strand). VCF-style: chr3-18386483-C-T. GRCh37 (hg19) VCF-style: chr3-18427975-C-T.
Other names: c.1335G>A (NM_001195470.2); c.1335G>A, p.Gln445= (NM_001131010.4, NM_001195470.3, NM_001322871.2 and 4 more transcripts); c.1119G>A, p.Gln373= (NM_001322876.2).
Identifiers: ClinVar variation 2653614 (VCV002653614.26), dbSNP rs150076672, ClinGen allele CA2282051.

ClinVar aggregate classification (germline): Benign/Likely benign. Review status: criteria provided, multiple submitters, no conflicts (2 of 4 stars). 3 submissions from 3 submitters: Benign (1); Likely benign (2). Last evaluated 2025-02-12.

Conditions:
SATB1-related disorder. Also called: SATB1-related condition.

Allele frequency attached by ClinVar (database versions not stated): ExAC 0.00031; 1000 Genomes Project 30x 0.00094; 1000 Genomes Project 0.00100; TOPMed 0.00102; gnomAD 0.00105; ESP Exome Variant Server 0.00154.
gnomAD v4.1: 328 of 1,614,142 alleles (0.02%); highest among the groups gnomAD compares: African/African-American, 0.37%; 4 homozygotes.

Submissions (3):

PreventionGenetics, part of Exact Sciences
Classification: Likely benign for SATB1-related condition. Last evaluated: 2025-02-12. Review status: criteria provided, single submitter. Criteria: ACMG Guidelines, 2015. Collection method: clinical testing. Allele origin: germline.
Comment: This variant is classified as likely benign based on ACMG/AMP sequence variant interpretation guidelines (Richards et al. 2015 PMID: 25741868, with internal and published modifications).

Blueprint Genetics
Classification: Likely benign. Last evaluated: 2024-11-01. Review status: criteria provided, single submitter. Criteria: ACMG Guidelines, 2015. Collection method: clinical testing. Allele origin: germline.

CeGaT Center for Human Genetics Tuebingen
Classification: Benign. Last evaluated: 2024-07-01. Review status: criteria provided, single submitter. Criteria: CeGaT Center For Human Genetics Tuebingen Variant Classification Criteria Version 2. Collection method: clinical testing. Allele origin: germline. Affected: yes. Observed: 2 variant alleles.
Comment: SATB1: BP4, BS1, BS2